The following is an entry in ClinVar:

ClinVar aggregate classification (germline): Uncertain significance (1 of 4 stars; one submission).

Conditions:
Muscular dystrophy-dystroglycanopathy (congenital without impaired intellectual development), type B, 4. Also called: MUSCULAR DYSTROPHY, CONGENITAL, FKTN-RELATED; Muscular dystrophy-dystroglycanopathy (congenital without intellectual disability), type B4. Identifiers: MedGen C2751052, MONDO:0013156, OMIM 613152.

Submission:

Juno Genomics, Hangzhou Juno Genomics, Inc
Classification: Uncertain significance for Muscular dystrophy-dystroglycanopathy (congenital without impaired intellectual development), type B, 4. Review status: criteria provided, single submitter. Criteria: ACMG Guidelines, 2015. Collection method: clinical testing. Allele origin: germline. Affected: yes.
Comment: Absent from controls (or at extremely low frequency if recessive) in Genome Aggregation Database, Exome Sequencing Project, 1000 Genomes Project, or Exome Aggregation Consortium.;For recessive disorders, detected in trans with a pathogenic variant.

NM_001079802.2(FKTN):c.1310A>C (p.Lys437Thr)

Gene: FKTN (fukutin; plus strand). Cytogenetic location: 9q31.2.
Variant type: single nucleotide variant.
Coding change: c.1310A>C on transcript NM_001079802.2 (MANE Select); coding-DNA position 1310, A replaced by C.
Protein change: p.Lys437Thr; replaces lysine 437 with threonine.
Molecular consequence: missense variant. On other transcripts: 3 prime UTR variant (1), non-coding transcript variant (2), intron variant (1).
Genome position (GRCh38, 1-based): chr9:105,635,188, A>C. VCF-style: chr9-105635188-A-C. GRCh37 (hg19) VCF-style: chr9-108397469-A-C.
Other names: c.1310A>C, p.Lys437Thr (NM_001351496.2, NM_006731.2); c.1241A>C, p.Lys414Thr (NM_001351497.2); c.*102A>C (NM_001351498.2); c.914A>C, p.Lys305Thr (NM_001351499.2, NM_001351500.2, NM_001351501.2 and 1 more transcripts); c.1270+40A>C (NM_001198963.2); short protein forms K305T, K414T, K437T.
Identifiers: ClinVar variation 3764671 (VCV003764671.2).